The following is an entry in ClinVar:

NM_022773.4(LMF1):c.352G>A (p.Asp118Asn)

Gene: LMF1 (lipase maturation factor 1; minus strand). Cytogenetic location: 16p13.3.
Variant type: single nucleotide variant.
Coding change: c.352G>A on transcript NM_022773.4 (MANE Select); coding-DNA position 352, G replaced by A.
Protein change: p.Asp118Asn; replaces aspartic acid 118 with asparagine.
Molecular consequence: missense variant. On other transcripts: 5 prime UTR variant (3), non-coding transcript variant (1).
Genome position (GRCh38, 1-based): chr16:954,508, C>T on the plus strand (G>A on the coding strand, the complement: LMF1 is on the minus strand). VCF-style: chr16-954508-C-T. GRCh37 (hg19) VCF-style: chr16-1004508-C-T.
Other names: c.-452G>A (NM_001352017.2); c.-203G>A (NM_001352018.2); c.25G>A, p.Asp9Asn (NM_001352019.2); c.352G>A, p.Asp118Asn (NM_001352020.1); c.-354G>A (NM_001352021.2); short protein forms D118N, D9N.
Identifiers: ClinVar variation 3538658 (VCV003538658.1).
Genomic context (GRCh38, chr16:954,508, plus strand): 5'-ACGAGATGCCCAGTCCGAGAAGAGCCAGCAAGTCCAGGTTGGAGTTCATGTCTGACCAGT[C>T]CATCAGCCAGAGGATGGTGGGCATGTAGCTGAAGACTTCCCAGCTCGTCCTGTCCTGGAA-3'
Protein context (NP_073610.2, residues 108-128): SYMPTILWLM[Asp118Asn]WSDMNSNLDL

ClinVar aggregate classification (germline): Uncertain significance (1 of 4 stars; one submission).

Conditions:
Cardiovascular phenotype. Identifiers: MedGen CN230736.

Submission:

Ambry Genetics
Classification: Uncertain significance for Cardiovascular phenotype. Last evaluated: 2024-08-08. Review status: criteria provided, single submitter. Criteria: Ambry Variant Classification Scheme 2023. Collection method: clinical testing. Allele origin: germline.
Comment: The p.D118N variant (also known as c.352G>A), located in coding exon 2 of the LMF1 gene, results from a G to A substitution at nucleotide position 352. The aspartic acid at codon 118 is replaced by asparagine, an amino acid with highly similar properties. This amino acid position is highly conserved in available vertebrate species. In addition, this alteration is predicted to be tolerated by in silico analysis. Based on the available evidence, the clinical significance of this variant remains unclear.